The following is an entry in ClinVar:

NM_001165963.4(SCN1A):c.5335A>G (p.Asn1779Asp)

Genes: SCN1A (sodium voltage-gated channel alpha subunit 1; minus strand), LOC102724058 (uncharacterized LOC102724058; plus strand). Cytogenetic location: 2q24.3.
Variant type: single nucleotide variant.
Coding change: c.5335A>G on transcript NM_001165963.4 (MANE Select); coding-DNA position 5335, A replaced by G.
Protein change: p.Asn1779Asp; replaces asparagine 1779 with aspartic acid.
Molecular consequence: missense variant. On other transcripts: non-coding transcript variant (1).
Genome position (GRCh38, 1-based): chr2:165,991,940, T>C on the plus strand (A>G on the coding strand, the complement: SCN1A is on the minus strand). VCF-style: chr2-165991940-T-C. GRCh37 (hg19) VCF-style: chr2-166848450-T-C.
Other names: c.5251A>G, p.Asn1751Asp (NM_001165964.3, NM_001353957.2, NM_001353958.2); c.5335A>G, p.Asn1779Asp (NM_001202435.3, NM_001353948.2); c.5302A>G, p.Asn1768Asp (NM_001353949.2, NM_001353950.2, NM_001353951.2 and 2 more transcripts); c.5299A>G, p.Asn1767Asp (NM_001353954.2, NM_001353955.2); c.5248A>G, p.Asn1750Asp (NM_001353960.2); c.2893A>G, p.Asn965Asp (NM_001353961.2); short protein forms N1768D, N1779D, N1750D, N1767D, N1751D, N965D.
Identifiers: ClinVar variation 195946 (VCV000195946.13), dbSNP rs794727416, ClinGen allele CA242664.

ClinVar aggregate classification (germline): Uncertain significance. Review status: criteria provided, multiple submitters, no conflicts (2 of 4 stars). 2 submissions from 2 submitters: Uncertain significance (2). Last evaluated 2020-12-24.

Conditions:
Early-infantile DEE. Also called: Early infantile epileptic encephalopathy; Early infantile epileptic encephalopathy with suppression bursts; Ohtahara syndrome. Identifiers: Orphanet 1934, MedGen C0393706, MONDO:0800491.

Submissions (2):

Labcorp Genetics (formerly Invitae), Labcorp
Classification: Uncertain significance for Early-infantile DEE. Last evaluated: 2020-12-24. Review status: criteria provided, single submitter. Criteria: Invitae Variant Classification Sherloc (09022015). Collection method: clinical testing. Allele origin: germline.
Comment: This variant is not present in population databases (ExAC no frequency). In summary, the available evidence is currently insufficient to determine the role of this variant in disease. Therefore, it has been classified as a Variant of Uncertain Significance. Advanced modeling of protein sequence and biophysical properties (such as structural, functional, and spatial information, amino acid conservation, physicochemical variation, residue mobility, and thermodynamic stability) performed at Invitae indicates that this missense variant is expected to disrupt SCN1A protein function. This variant has not been reported in the literature in individuals with SCN1A-related conditions. ClinVar contains an entry for this variant (Variation ID: 195946). This sequence change replaces asparagine with aspartic acid at codon 1779 of the SCN1A protein (p.Asn1779Asp). The asparagine residue is highly conserved and there is a small physicochemical difference between asparagine and aspartic acid.

Eurofins Ntd Llc (ga)
Classification: Uncertain significance. Last evaluated: 2014-06-05. Review status: criteria provided, single submitter. Criteria: EGL Classification Definitions 2015. Collection method: clinical testing. Allele origin: germline. Observed: 1 variant allele, 1 heterozygote.